The following is an entry in ClinVar:

ClinVar aggregate classification (germline): Uncertain significance. Review status: criteria provided, multiple submitters, no conflicts (2 of 4 stars). 4 submissions from 4 submitters: Uncertain significance (4). Last evaluated 2024-02-29.

Conditions:
Hereditary cancer-predisposing syndrome. Also called: Tumor predisposition; Neoplastic Syndromes, Hereditary; Hereditary neoplastic syndrome; Hereditary Cancer Syndrome. Identifiers: Orphanet 140162, MedGen C0027672, MeSH D009386, MONDO:0015356.
Melanoma and neural system tumor syndrome. Also called: MELANOMA-ASTROCYTOMA SYNDROME. Identifiers: Orphanet 252206, MedGen C1835042, MONDO:0007967, OMIM 155755.
Familial melanoma. Also called: Hereditary melanoma; Hereditary cutaneous melanoma. Identifiers: Orphanet 618, MedGen C1512419, MONDO:0018961.

Allele frequency attached by ClinVar (database versions not stated): gnomAD exomes below 0.00001.
gnomAD v4.1: 4 of 1,604,002 alleles (0.00025%); highest among the groups gnomAD compares: Non-Finnish European, 0.00034%; no homozygotes.

Submissions (4):

Ambry Genetics
Classification: Uncertain significance for Hereditary cancer-predisposing syndrome. Last evaluated: 2024-02-29. Review status: criteria provided, single submitter. Criteria: Ambry Variant Classification Scheme 2023. Collection method: clinical testing. Allele origin: germline.
Comment: The p.P17L variant (also known as c.50C>T), located in coding exon 1 of the CDKN2A (p14ARF) gene, results from a C to T substitution at nucleotide position 50. The proline at codon 17 is replaced by leucine, an amino acid with similar properties. This amino acid position is well conserved in available vertebrate species. In addition, the in silico prediction for this alteration is inconclusive. Based on the available evidence, the clinical significance of this alteration remains unclear.

Baylor Genetics
Classification: Uncertain significance for Melanoma and neural system tumor syndrome. Last evaluated: 2023-10-11. Review status: criteria provided, single submitter. Criteria: ACMG Guidelines, 2015. Collection method: clinical testing. Allele origin: unknown.

GeneDx
Classification: Uncertain significance. Last evaluated: 2023-03-27. Review status: criteria provided, single submitter. Criteria: GeneDx Variant Classification Process June 2021. Collection method: clinical testing. Allele origin: germline. Affected: yes.
Comment: Not observed at significant frequency in large population cohorts (gnomAD); In silico analysis supports that this missense variant has a deleterious effect on protein structure/function; Has not been previously published as pathogenic or benign to our knowledge; Reported using an alternate transcript of the gene; This variant is associated with the following publications: (PMID: 9653180, 9529249, 16173922)

Labcorp Genetics (formerly Invitae), Labcorp
Classification: Uncertain significance for Familial melanoma. Last evaluated: 2021-11-24. Review status: criteria provided, single submitter. Criteria: Invitae Variant Classification Sherloc (09022015). Collection method: clinical testing. Allele origin: germline.
Comment: This sequence change replaces proline, which is neutral and non-polar, with leucine, which is neutral and non-polar, at codon 17 of the CDKN2A (p14ARF) protein (p.Pro17Leu). This variant is not present in population databases (gnomAD no frequency). This variant has not been reported in the literature in individuals affected with CDKN2A (p14ARF)-related conditions. ClinVar contains an entry for this variant (Variation ID: 940545). Algorithms developed to predict the effect of missense changes on protein structure and function are either unavailable or do not agree on the potential impact of this missense change (SIFT: "Deleterious"; PolyPhen-2: "Probably Damaging"; Align-GVGD: "Class C15"). In summary, the available evidence is currently insufficient to determine the role of this variant in disease. Therefore, it has been classified as a Variant of Uncertain Significance.

NM_058195.4(CDKN2A):c.50C>T (p.Pro17Leu)

Gene: CDKN2A (cyclin dependent kinase inhibitor 2A; minus strand). Cytogenetic location: 9p21.3.
Variant type: single nucleotide variant.
Coding change: c.50C>T on transcript NM_058195.4 (MANE Plus Clinical); coding-DNA position 50, C replaced by T.
Protein change: p.Pro17Leu; replaces proline 17 with leucine.
Molecular consequence: missense variant. On other transcripts: intron variant (1).
Genome position (GRCh38, 1-based): chr9:21,994,282, G>A on the plus strand (C>T on the coding strand, the complement: CDKN2A is on the minus strand). VCF-style: chr9-21994282-G-A. GRCh37 (hg19) VCF-style: chr9-21994281-G-A.
Other names: c.-4+539C>T (NM_001363763.2); short protein forms P17L.
Identifiers: ClinVar variation 940545 (VCV000940545.8), dbSNP rs1820534329, ClinGen allele CA373087040.